The following is an entry in ClinVar:

NM_012144.4(DNAI1):c.1167C>T (p.Leu389=)

Gene: DNAI1 (dynein axonemal intermediate chain 1; plus strand). Cytogenetic location: 9p13.3.
Variant type: single nucleotide variant.
Coding change: c.1167C>T on transcript NM_012144.4 (MANE Select); coding-DNA position 1167, C replaced by T.
Protein change: p.Leu389=; no amino-acid change (leucine 389 retained).
Molecular consequence: synonymous variant.
Genome position (GRCh38, 1-based): chr9:34,506,730, C>T. VCF-style: chr9-34506730-C-T. GRCh37 (hg19) VCF-style: chr9-34506728-C-T.
Other names: c.1179C>T, p.Leu393= (NM_001281428.2); c.1167C>T (NM_012144.3, NM_012144.2).
Identifiers: ClinVar variation 991657 (VCV000991657.12), dbSNP rs756277063, ClinGen allele CA5034311.

ClinVar aggregate classification (germline): Likely benign. Review status: criteria provided, multiple submitters, no conflicts (2 of 4 stars). 4 submissions from 4 submitters: Likely benign (2). 2 of the submissions do not count toward it. Last evaluated 2025-08-24.

Conditions:
Primary ciliary dyskinesia. Also called: Ciliary dyskinesia. Identifiers: Orphanet 244, MedGen C0008780, MONDO:0016575, HP:0012265.
DNAI1-related disorder. Also called: DNAI1-related condition.

Allele frequency attached by ClinVar (database versions not stated): TOPMed below 0.00001; gnomAD 0.00002.
gnomAD v4.1: 64 of 1,614,054 alleles (0.004%); highest among the groups gnomAD compares: East Asian, 0.011%; no homozygotes.

Submissions (4):

Labcorp Genetics (formerly Invitae), Labcorp
Classification: Likely benign for Primary ciliary dyskinesia. Last evaluated: 2025-08-24. Review status: criteria provided, single submitter. Criteria: Invitae Variant Classification Sherloc (09022015). Collection method: clinical testing. Allele origin: germline.

Ambry Genetics
Classification: Likely benign for Primary ciliary dyskinesia. Last evaluated: 2024-11-12. Review status: criteria provided, single submitter. Criteria: Ambry Variant Classification Scheme 2023. Collection method: clinical testing. Allele origin: germline.

PreventionGenetics, part of Exact Sciences
Classification: Likely benign for DNAI1-related condition. Last evaluated: 2024-04-24. Review status: no assertion criteria provided. Collection method: clinical testing. Allele origin: germline. Not counted in ClinVar's aggregate classification.
Comment: This variant is classified as likely benign based on ACMG/AMP sequence variant interpretation guidelines (Richards et al. 2015 PMID: 25741868, with internal and published modifications).

Natera, Inc.
Classification: Likely benign for Primary ciliary dyskinesia. Last evaluated: 2020-10-30. Review status: no assertion criteria provided. Collection method: clinical testing. Allele origin: germline. Not counted in ClinVar's aggregate classification.